The following is an entry in ClinVar:

NM_003742.4(ABCB11):c.1484G>T (p.Arg495Ile)

Gene: ABCB11 (ATP binding cassette subfamily B member 11; minus strand). Cytogenetic location: 2q31.1.
Variant type: single nucleotide variant.
Coding change: c.1484G>T on transcript NM_003742.4 (MANE Select); coding-DNA position 1484, G replaced by T.
Protein change: p.Arg495Ile; replaces arginine 495 with isoleucine.
Molecular consequence: missense variant.
Genome position (GRCh38, 1-based): chr2:168,972,001, C>A on the plus strand (G>T on the coding strand, the complement: ABCB11 is on the minus strand). VCF-style: chr2-168972001-C-A. GRCh37 (hg19) VCF-style: chr2-169828511-C-A.
Other names: short protein forms R495I.
Identifiers: ClinVar variation 3062099 (VCV003062099.1), dbSNP rs2545389626, ClinGen allele CA349115989.

ClinVar aggregate classification (germline): Likely pathogenic (1 of 4 stars; one submission).

Conditions:
Progressive familial intrahepatic cholestasis type 2. Identifiers: Orphanet 79304, MedGen C3489789, MONDO:0011156, OMIM 601847.

Submission:

Illumina Laboratory Services, Illumina
Classification: Likely pathogenic for Progressive familial intrahepatic cholestasis type 2. Last evaluated: 2020-04-28. Review status: criteria provided, single submitter. Criteria: ICSLVariantClassificationCriteria RUGD 01 April 2020. Collection method: clinical testing. Allele origin: unknown.
Comment: The ABCB11 c.1484G>T p.(Arg495Ile) variant is a missense variant which, to our knowledge, has not been reported in the peer-reviewed literature. This variant is not observed in version 2.1.1 or version 4.0.0 of the Genome Aggregation Database. The p.(Arg495Ile) variant is located within the conserved nucleotide binding domain of the protein (Wang et al. 2020). Based on the evidence, the c.1484G>T p.(Arg495Ile) variant is classified as likely pathogenic for progressive familial intrahepatic cholestasis.